The following is an entry in ClinVar:

NM_004252.5(NHERF1):c.449T>G (p.Leu150Arg)

Gene: NHERF1 (NHERF family PDZ scaffold protein 1; plus strand). Cytogenetic location: 17q25.1.
Variant type: single nucleotide variant.
Coding change: c.449T>G on transcript NM_004252.5 (MANE Select); coding-DNA position 449, T replaced by G.
Protein change: p.Leu150Arg; replaces leucine 150 with arginine.
Molecular consequence: missense variant.
Genome position (GRCh38, 1-based): chr17:74,762,019, T>G. VCF-style: chr17-74762019-T-G. GRCh37 (hg19) VCF-style: chr17-72758158-T-G.
Other names: c.449T>G (NM_004252.3); short protein forms L150R.
Identifiers: ClinVar variation 3694321 (VCV003694321.3).

ClinVar aggregate classification (germline): Uncertain significance. Review status: criteria provided, multiple submitters, no conflicts (2 of 4 stars). 2 submissions from 2 submitters: Uncertain significance (2). Last evaluated 2025-10-07.

Conditions:
Inborn genetic diseases. Identifiers: MedGen C0950123, MeSH D030342.

gnomAD v4.1: 12 of 1,613,890 alleles (0.00074%); highest among the groups gnomAD compares: Admixed American, 0.02%; no homozygotes.

Submissions (2):

Ambry Genetics
Classification: Uncertain significance for Inborn genetic diseases. Last evaluated: 2025-10-07. Review status: criteria provided, single submitter. Criteria: Ambry Variant Classification Scheme 2023. Collection method: clinical testing. Allele origin: germline.

Labcorp Genetics (formerly Invitae), Labcorp
Classification: Uncertain significance. Last evaluated: 2024-04-10. Review status: criteria provided, single submitter. Criteria: Invitae Variant Classification Sherloc (09022015). Collection method: clinical testing. Allele origin: germline.
Comment: This sequence change replaces leucine, which is neutral and non-polar, with arginine, which is basic and polar, at codon 150 of the SLC9A3R1 protein (p.Leu150Arg). This variant is present in population databases (rs777906037, gnomAD 0.02%). This variant has not been reported in the literature in individuals affected with SLC9A3R1-related conditions. An algorithm developed to predict the effect of missense changes on protein structure and function (PolyPhen-2) suggests that this variant is likely to be disruptive. In summary, the available evidence is currently insufficient to determine the role of this variant in disease. Therefore, it has been classified as a Variant of Uncertain Significance.